The following is an entry in ClinVar:

ClinVar aggregate classification (germline): Conflicting classifications of pathogenicity. Review status: criteria provided, conflicting classifications (1 of 4 stars). 2 submissions from 2 submitters: Likely pathogenic (1); Uncertain significance (1). Last evaluated 2024-10-29.

Conditions:
Amyloidosis, hereditary systemic 1 (AMYLD1). Also called: AMYLOID CARDIOMYOPATHY; Hereditary oculoleptomeningeal amyloid angiopathy; Familial Transthyretin Amyloidosis; Isolated Cardiac Amyloidosis; Amyloid Cardiomyopathy, Transthyretin-related; Familial amyloid polyneuropathy. Identifiers: Orphanet 85447, Orphanet 85451, MedGen C2751492, MONDO:0971004, OMIM 105210.
Carpal tunnel syndrome 1 (CTS1). Also called: Carpal tunnel syndrome, familial. Identifiers: MedGen C5779776, MONDO:0020730, OMIM 115430.
Hyperthyroxinemia, dystransthyretinemic. Also called: HYPERTHYROXINEMIA, DYSPREALBUMINEMIC; EUTHRYROIDAL HYPERTHYROXINEMIA 2. Identifiers: MedGen C2750824, MONDO:0007785, OMIM 145680.

Allele frequency attached by ClinVar (database versions not stated): ExAC 0.00001; gnomAD exomes 0.00002; TOPMed 0.00005; gnomAD 0.00015.
gnomAD v4.1: 48 of 1,614,078 alleles (0.003%); highest among the groups gnomAD compares: Admixed American, 0.053%; no homozygotes.

Submissions (2):

Labcorp Genetics (formerly Invitae), Labcorp
Classification: Likely pathogenic for Amyloidosis, hereditary systemic 1. Last evaluated: 2024-10-29. Review status: criteria provided, single submitter. Criteria: Invitae Variant Classification Sherloc (09022015). Collection method: clinical testing. Allele origin: germline.
Comment: This sequence change replaces threonine, which is neutral and polar, with alanine, which is neutral and non-polar, at codon 79 of the TTR protein (p.Thr79Ala). This variant is present in population databases (rs770389488, gnomAD 0.03%). This variant has not been reported in the literature in individuals affected with TTR-related conditions. ClinVar contains an entry for this variant (Variation ID: 2169602). Invitae Evidence Modeling of protein sequence and biophysical properties (such as structural, functional, and spatial information, amino acid conservation, physicochemical variation, residue mobility, and thermodynamic stability) indicates that this missense variant is expected to disrupt TTR protein function with a positive predictive value of 95%. This variant disrupts the p.Thr79 amino acid residue in TTR. Other variant(s) that disrupt this residue have been determined to be pathogenic (PMID: 7850982, 17143887, 23713495). This suggests that this residue is clinically significant, and that variants that disrupt this residue are likely to be disease-causing. In summary, the currently available evidence indicates that the variant is pathogenic, but additional data are needed to prove that conclusively. Therefore, this variant has been classified as Likely Pathogenic.

Fulgent Genetics
Classification: Uncertain significance for Amyloidosis, hereditary systemic 1; Carpal tunnel syndrome 1; Hyperthyroxinemia, dystransthyretinemic. Last evaluated: 2024-03-11. Review status: criteria provided, single submitter. Criteria: ACMG Guidelines, 2015. Collection method: clinical testing. Allele origin: germline.

Literature cited by the submitters: PubMed 7850982 (cited by Labcorp Genetics (formerly Invitae), Labcorp); PubMed 17143887 (cited by Labcorp Genetics (formerly Invitae), Labcorp); PubMed 23713495 (cited by Labcorp Genetics (formerly Invitae), Labcorp).

NM_000371.4(TTR):c.235A>G (p.Thr79Ala)

Gene: TTR (transthyretin; plus strand). Cytogenetic location: 18q12.1.
Variant type: single nucleotide variant.
Coding change: c.235A>G on transcript NM_000371.4 (MANE Select); coding-DNA position 235, A replaced by G.
Protein change: p.Thr79Ala; replaces threonine 79 with alanine.
Molecular consequence: missense variant.
Genome position (GRCh38, 1-based): chr18:31,595,154, A>G. VCF-style: chr18-31595154-A-G. GRCh37 (hg19) VCF-style: chr18-29175117-A-G.
Other names: short protein forms T79A.
Identifiers: ClinVar variation 2169602 (VCV002169602.5), dbSNP rs770389488, ClinGen allele CA8928443.
Genomic context (GRCh38, chr18:31,595,154, plus strand): 5'-TTAATCCAGACTTTCACACCTTATAGGAAAACCAGTGAGTCTGGAGAGCTGCATGGGCTC[A>G]CAACTGAGGAGGAATTTGTAGAAGGGATATACAAAGTGGAAATAGACACCAAATCTTACT-3'
Protein context (NP_000362.1, residues 69-89): TSESGELHGL[Thr79Ala]TEEEFVEGIY